The following is an entry in ClinVar:

NM_016343.4(CENPF):c.625C>T (p.Arg209Trp)

Gene: CENPF (centromere protein F; plus strand). Cytogenetic location: 1q41.
Variant type: single nucleotide variant.
Coding change: c.625C>T on transcript NM_016343.4 (MANE Select); coding-DNA position 625, C replaced by T.
Protein change: p.Arg209Trp; replaces arginine 209 with tryptophan.
Molecular consequence: missense variant.
Genome position (GRCh38, 1-based): chr1:214,620,706, C>T. VCF-style: chr1-214620706-C-T. GRCh37 (hg19) VCF-style: chr1-214794049-C-T.
Other names: short protein forms R209W.
Identifiers: ClinVar variation 444194 (VCV000444194.46), dbSNP rs148125567, ClinGen allele CA1389817.

ClinVar aggregate classification (germline): Uncertain significance. Review status: criteria provided, multiple submitters, no conflicts (2 of 4 stars). 3 submissions from 3 submitters: Uncertain significance (3). Last evaluated 2023-05-31.

Allele frequency attached by ClinVar (database versions not stated): 1000 Genomes Project 30x 0.00016; 1000 Genomes Project 0.00020; ESP Exome Variant Server 0.00038; gnomAD 0.00074 and 0.00079; gnomAD exomes 0.00074 and 0.00092; TOPMed 0.00080; ExAC 0.00096.

Submissions (3):

Labcorp Genetics (formerly Invitae), Labcorp
Classification: Uncertain significance. Last evaluated: 2023-05-31. Review status: criteria provided, single submitter. Criteria: Invitae Variant Classification Sherloc (09022015). Collection method: clinical testing. Allele origin: germline.
Comment: In summary, the available evidence is currently insufficient to determine the role of this variant in disease. Therefore, it has been classified as a Variant of Uncertain Significance. An algorithm developed to predict the effect of missense changes on protein structure and function (PolyPhen-2) suggests that this variant is likely to be disruptive. ClinVar contains an entry for this variant (Variation ID: 444194). This variant has not been reported in the literature in individuals affected with CENPF-related conditions. This variant is present in population databases (rs148125567, gnomAD 0.1%), and has an allele count higher than expected for a pathogenic variant. This sequence change replaces arginine, which is basic and polar, with tryptophan, which is neutral and slightly polar, at codon 209 of the CENPF protein (p.Arg209Trp).

GeneDx
Classification: Uncertain significance. Last evaluated: 2019-09-30. Review status: criteria provided, single submitter. Criteria: GeneDx Variant Classification Process June 2021. Collection method: clinical testing. Allele origin: germline. Affected: yes.
Comment: In silico analysis, which includes protein predictors and evolutionary conservation, supports a deleterious effect; Has not been previously published as pathogenic or benign to our knowledge

CeGaT Center for Human Genetics Tuebingen
Classification: Uncertain significance. Last evaluated: 2017-03-01. Review status: criteria provided, single submitter. Criteria: CeGaT Center For Human Genetics Tuebingen Variant Classification Criteria Version 2. Collection method: clinical testing. Allele origin: germline. Affected: yes. Observed: 1 variant allele.